The following is an entry in ClinVar:

ClinVar aggregate classification (germline): Pathogenic. Review status: criteria provided, multiple submitters, no conflicts (2 of 4 stars). 3 submissions from 3 submitters: Pathogenic (3). Last evaluated 2025-10-08.

Conditions:
Hereditary breast ovarian cancer syndrome. Also called: Hereditary breast and ovarian cancer syndrome; Hereditary breast and ovarian cancer; Hereditary breast and ovarian cancer syndrome (HBOC); Hereditary breast and/or ovarian cancer syndrome; Breast and ovarian cancer; BRCA1- and BRCA2-Associated Hereditary Breast and Ovarian Cancer. Identifiers: Orphanet 145, MedGen C0677776, MeSH D061325, MONDO:0003582. Disease mechanism: loss of function.

Submissions (3):

Women's Health and Genetics/Laboratory Corporation of America, LabCorp
Classification: Pathogenic for Hereditary breast ovarian cancer syndrome. Last evaluated: 2025-10-08. Review status: criteria provided, single submitter. Criteria: LabCorp Variant Classification Summary - May 2015. Collection method: clinical testing. Allele origin: germline.
Comment: Variant summary: BRCA2 c.101_102insT (p.Glu34AspfsX10) results in a premature termination codon, predicted to cause a truncation of the encoded protein or absence of the protein due to nonsense mediated decay, which are commonly known mechanisms for disease. The variant was absent in 251068 control chromosomes. To our knowledge, no occurrence of c.101_102insT in individuals affected with BRCA2-related conditions and no experimental evidence demonstrating its impact on protein function have been reported. ClinVar contains an entry for this variant (Variation ID: 2112906). Based on the evidence outlined above, the variant was classified as pathogenic.

Mayo Clinic Laboratories, Mayo Clinic
Classification: Pathogenic. Last evaluated: 2023-11-22. Review status: criteria provided, single submitter. Criteria: ACMG Guidelines, 2015. Collection method: clinical testing. Allele origin: germline.
Comment: PM2, PM5_strong, PVS1

Labcorp Genetics (formerly Invitae), Labcorp
Classification: Pathogenic for Hereditary breast ovarian cancer syndrome. Last evaluated: 2022-04-06. Review status: criteria provided, single submitter. Criteria: Invitae Variant Classification Sherloc (09022015). Collection method: clinical testing. Allele origin: germline.
Comment: For these reasons, this variant has been classified as Pathogenic. This variant has not been reported in the literature in individuals affected with BRCA2-related conditions. This variant is not present in population databases (gnomAD no frequency). This sequence change creates a premature translational stop signal (p.Glu34Aspfs*10) in the BRCA2 gene. It is expected to result in an absent or disrupted protein product. Loss-of-function variants in BRCA2 are known to be pathogenic (PMID: 20104584).

Literature cited by the submitters: PubMed 20104584 (cited by Labcorp Genetics (formerly Invitae), Labcorp).

NM_000059.4(BRCA2):c.101_102insT (p.Glu34fs)

Gene: BRCA2 (BRCA2 DNA repair associated; plus strand). Cytogenetic location: 13q13.1.
Variant type: Insertion.
Coding change: c.101_102insT on transcript NM_000059.4 (MANE Select); coding-DNA positions 101 to 102, T inserted.
Protein change: p.Glu34fs; shifts the reading frame from glutamic acid 34.
Molecular consequence: frameshift variant.
Genome position: GRCh38 VCF-style: chr13-32319110-A-AT. GRCh37 (hg19) VCF-style: chr13-32893247-A-AT.
Other names: p.Glu34Aspfs*10; c.101_102insT, p.Glu34Aspfs (NM_001406719.1, NM_001406720.1, NM_001406721.1); c.-269_-268insT (NM_001406722.1); short protein forms E34fs.
Identifiers: ClinVar variation 2112906 (VCV002112906.7), dbSNP rs2548511158, ClinGen allele CA2580087059.